The following is an entry in ClinVar:

ClinVar aggregate classification (germline): Uncertain significance. Review status: criteria provided, multiple submitters, no conflicts (2 of 4 stars). 2 submissions from 2 submitters: Uncertain significance (2). Last evaluated 2024-03-10.

Conditions:
Hereditary cancer-predisposing syndrome. Also called: Hereditary Cancer Syndrome; Neoplastic Syndromes, Hereditary; Tumor predisposition; Hereditary neoplastic syndrome. Identifiers: Orphanet 140162, MedGen C0027672, MeSH D009386, MONDO:0015356.
Familial cancer of breast. Also called: BREAST CANCER, FAMILIAL; Hereditary breast cancer; hereditary breast carcinoma. Identifiers: Orphanet 227535, MedGen C0346153, MONDO:0016419, OMIM 114480. Disease mechanism: loss of function.

Submissions (2):

Labcorp Genetics (formerly Invitae), Labcorp
Classification: Uncertain significance for Familial cancer of breast. Last evaluated: 2024-03-10. Review status: criteria provided, single submitter. Criteria: Invitae Variant Classification Sherloc (09022015). Collection method: clinical testing. Allele origin: germline.
Comment: This sequence change replaces histidine, which is basic and polar, with asparagine, which is neutral and polar, at codon 163 of the CHEK2 protein (p.His163Asn). This variant is not present in population databases (gnomAD no frequency). This variant has not been reported in the literature in individuals affected with CHEK2-related conditions. ClinVar contains an entry for this variant (Variation ID: 1743763). An algorithm developed to predict the effect of missense changes on protein structure and function (PolyPhen-2) suggests that this variant is likely to be tolerated. In summary, the available evidence is currently insufficient to determine the role of this variant in disease. Therefore, it has been classified as a Variant of Uncertain Significance.

Ambry Genetics
Classification: Uncertain significance for Hereditary cancer-predisposing syndrome. Last evaluated: 2015-10-09. Review status: criteria provided, single submitter. Criteria: Ambry Variant Classification Scheme 2023. Collection method: clinical testing. Allele origin: germline.
Comment: The p.H163N variant (also known as c.487C>A), located in coding exon 3 of the CHEK2 gene, results from a C to A substitution at nucleotide position 487. The histidine at codon 163 is replaced by asparagine, an amino acid with similar properties. This variant was not reported in population based cohorts in the following databases: Database of Single Nucleotide Polymorphisms (dbSNP), NHLBI Exome Sequencing Project (ESP), and 1000 Genomes Project. In the ESP, this variant was not observed in 6502 samples (13004 alleles) with coverage at this position. To date, this alteration has been detected with an allele frequency of approximately 0.001% (greater than 72000 alleles tested) in our clinical cohort. This amino acid position is highly conserved in available vertebrate species. In addition, the in silico prediction for this alteration is inconclusive. Since supporting evidence is limited at this time, the clinical significance of p.H163N remains unclear.

NM_007194.4(CHEK2):c.487C>A (p.His163Asn)

Gene: CHEK2 (checkpoint kinase 2; minus strand). Cytogenetic location: 22q12.1.
Variant type: single nucleotide variant.
Coding change: c.487C>A on transcript NM_007194.4 (MANE Select); coding-DNA position 487, C replaced by A.
Protein change: p.His163Asn; replaces histidine 163 with asparagine.
Molecular consequence: missense variant. On other transcripts: 5 prime UTR variant (2), intron variant (1).
Genome position (GRCh38, 1-based): chr22:28,725,082, G>T on the plus strand (C>A on the coding strand, the complement: CHEK2 is on the minus strand). VCF-style: chr22-28725082-G-T. GRCh37 (hg19) VCF-style: chr22-29121070-G-T.
Other names: c.616C>A, p.His206Asn (NM_001005735.3, NM_001438294.1); c.-291C>A (NM_001257387.3); c.-177C>A (NM_001437942.1); c.580C>A, p.His194Asn (NM_001438293.1, NM_001438295.1); c.487C>A, p.His163Asn (NM_145862.3); c.445-159C>A (NM_001349956.3); short protein forms H163N, H206N, H194N.
Identifiers: ClinVar variation 1743763 (VCV001743763.4), dbSNP rs2518053605, ClinGen allele CA411107558.